The following is an entry in ClinVar:

ClinVar aggregate classification (germline): Benign/Likely benign. Review status: criteria provided, multiple submitters, no conflicts (2 of 4 stars). 3 submissions from 3 submitters: Benign (2); Likely benign (1). Last evaluated 2026-05-01.

Conditions:
Dextro-looped transposition of the great arteries. Also called: Dextrotransposition of the great arteries. Identifiers: Orphanet 860, MedGen C3531771, MONDO:0019443, OMIM 608808, HP:0031348.

Allele frequency attached by ClinVar (database versions not stated): gnomAD 0.00002; gnomAD exomes 0.00004 and 0.00016; ExAC 0.00008.
gnomAD v4.1: 67 of 1,602,744 alleles (0.0042%); highest among the groups gnomAD compares: Admixed American, 0.065%; no homozygotes.

Submissions (3):

CeGaT Center for Human Genetics Tuebingen
Classification: Likely benign. Last evaluated: 2026-05-01. Review status: criteria provided, single submitter. Criteria: CeGaT Center For Human Genetics Tuebingen Variant Classification Criteria Version 2. Collection method: clinical testing. Allele origin: germline. Affected: yes. Observed: 1 variant allele.
Comment: MED13L: BP4, BP7

Labcorp Genetics (formerly Invitae), Labcorp
Classification: Benign for Dextro-looped transposition of the great arteries. Last evaluated: 2026-01-26. Review status: criteria provided, single submitter. Criteria: Invitae Variant Classification Sherloc (09022015). Collection method: clinical testing. Allele origin: germline.

GeneDx
Classification: Benign. Last evaluated: 2021-11-12. Review status: criteria provided, single submitter. Criteria: GeneDx Variant Classification Process June 2021. Collection method: clinical testing. Allele origin: germline. Affected: yes.

NM_015335.5(MED13L):c.3069G>A (p.Thr1023=)

Gene: MED13L (mediator complex subunit 13L; minus strand). Cytogenetic location: 12q24.21.
Variant type: single nucleotide variant.
Coding change: c.3069G>A on transcript NM_015335.5 (MANE Select); coding-DNA position 3069, G replaced by A.
Protein change: p.Thr1023=; no amino-acid change (threonine 1023 retained).
Molecular consequence: synonymous variant.
Genome position (GRCh38, 1-based): chr12:115,991,885, C>T on the plus strand (G>A on the coding strand, the complement: MED13L is on the minus strand). VCF-style: chr12-115991885-C-T. GRCh37 (hg19) VCF-style: chr12-116429690-C-T.
Identifiers: ClinVar variation 699148 (VCV000699148.13), dbSNP rs780149328, ClinGen allele CA6811030.